The following is an entry in ClinVar:

NM_183050.4(BCKDHB):c.895T>A (p.Cys299Ser)

Gene: BCKDHB (branched chain keto acid dehydrogenase E1 subunit beta; plus strand). Cytogenetic location: 6q14.1.
Variant type: single nucleotide variant.
Coding change: c.895T>A on transcript NM_183050.4 (MANE Select); coding-DNA position 895, T replaced by A.
Protein change: p.Cys299Ser; replaces cysteine 299 with serine.
Molecular consequence: missense variant. On other transcripts: non-coding transcript variant (1).
Genome position (GRCh38, 1-based): chr6:80,203,156, T>A. VCF-style: chr6-80203156-T-A. GRCh37 (hg19) VCF-style: chr6-80912873-T-A.
Other names: c.895T>A, p.Cys299Ser (NM_000056.5); c.685T>A, p.Cys229Ser (NM_001318975.1); short protein forms C299S, C229S.
Identifiers: ClinVar variation 947518 (VCV000947518.8), dbSNP rs370331553, ClinGen allele CA142287793.

ClinVar aggregate classification (germline): Uncertain significance. Review status: criteria provided, single submitter (1 of 4 stars). 2 submissions from 2 submitters: Uncertain significance (1). 1 of the submissions does not count toward it. Last evaluated 2021-09-01.

Conditions:
Maple syrup urine disease (MSUD). Identifiers: Orphanet 511, MedGen C0024776, MeSH D008375, MONDO:0009563. Disease mechanism: loss of function.
Maple syrup urine disease type 1B (MSUD1B). Also called: MSUD type IB; MSUD type 3 (formerly); MSUD due to deficiency of e1-beta subunit of branched-chain alpha-keto acid dehydrogenase complex. Identifiers: MedGen C2930990, MONDO:0023692, OMIM 620698.

Allele frequency attached by ClinVar (database versions not stated): TOPMed below 0.00001; gnomAD 0.00001; ESP Exome Variant Server 0.00008.
gnomAD v4.1: 1 of 1,612,912 alleles (0.000062%); highest among the groups gnomAD compares: African/African-American, 0.0013%; no homozygotes.

Submissions (2):

Labcorp Genetics (formerly Invitae), Labcorp
Classification: Uncertain significance for Maple syrup urine disease. Last evaluated: 2021-09-01. Review status: criteria provided, single submitter. Criteria: Invitae Variant Classification Sherloc (09022015). Collection method: clinical testing. Allele origin: germline.
Comment: This sequence change replaces cysteine with serine at codon 299 of the BCKDHB protein (p.Cys299Ser). The cysteine residue is highly conserved and there is a moderate physicochemical difference between cysteine and serine. This variant is not present in population databases (ExAC no frequency). This variant has not been reported in the literature in individuals affected with BCKDHB-related conditions. Algorithms developed to predict the effect of missense changes on protein structure and function are either unavailable or do not agree on the potential impact of this missense change (SIFT: "Deleterious"; PolyPhen-2: "Probably Damaging"; Align-GVGD: "Class C0"). In summary, the available evidence is currently insufficient to determine the role of this variant in disease. Therefore, it has been classified as a Variant of Uncertain Significance.

Natera, Inc.
Classification: Uncertain significance for Maple syrup urine disease type 1B. Last evaluated: 2020-01-30. Review status: no assertion criteria provided. Collection method: clinical testing. Allele origin: germline. Not counted in ClinVar's aggregate classification.